The following is an entry in ClinVar:

GRCh38/hg38 2p24.3(chr2:13383787-14257839)x1

Genes: LINC00276 (long intergenic non-protein coding RNA 276; minus strand), LOC132088756 (Neanderthal introgressed variant-containing enhancer experimental_52989; plus strand), LOC132088757 (Neanderthal introgressed variant-containing enhancer experimental_52999; plus strand), LOC126806151 (CDK7 strongly-dependent group 2 enhancer GRCh37_chr2:13662708-13663907; plus strand), LOC132088754 (Neanderthal introgressed variant-containing enhancer experimental_52900; plus strand) and 2 more. Cytogenetic location: 2p24.3.
Variant type: copy number loss.
Change: copy number 1 (one copy instead of two) of chr2:13,383,787-14,257,839 (874.1 kb, GRCh38 coordinates, 1-based), cytogenetic band 2p24.3.
Identifiers: ClinVar variation 57083 (VCV000057083.2).

ClinVar aggregate classification (germline): Uncertain significance (1 of 4 stars; one submission).

Submission:

ISCA site 4
Classification: Uncertain significance. Last evaluated: 2011-08-12. Review status: criteria provided, single submitter. Criteria: Kaminsky et al. (Genet Med. 2011). Collection method: clinical testing. Allele origin: unknown. Affected: yes. Observed: 1 variant allele.
Comment: Copy number variation identified through the course of routine clinical cytogenomic testing in postnatal populations. Clinical assertions have been curated as described in Kaminsky et al. 2011.